The following is an entry in ClinVar:

NM_000077.5(CDKN2A):c.335G>T (p.Arg112Leu)

Gene: CDKN2A (cyclin dependent kinase inhibitor 2A; minus strand). Cytogenetic location: 9p21.3.
Variant type: single nucleotide variant.
Coding change: c.335G>T on transcript NM_000077.5; coding-DNA position 335, G replaced by T.
Protein change: p.Arg112Leu; replaces arginine 112 with leucine.
Molecular consequence: missense variant (on NM_000077.6). On other transcripts: synonymous variant (1), 3 prime UTR variant (1).
Genome position (GRCh38, 1-based): chr9:21,971,024, C>A on the plus strand (G>T on the coding strand, the complement: CDKN2A is on the minus strand). VCF-style: chr9-21971024-C-A. GRCh37 (hg19) VCF-style: chr9-21971023-C-A.
Other names: c.335G>T, p.Arg112Leu (NM_000077.6, NM_001195132.2); c.182G>T, p.Arg61Leu (NM_001363763.2); c.378G>T, p.Pro126= (NM_058195.4); c.*258G>T (NM_058197.5); short protein forms R112L, R61L.
Identifiers: ClinVar variation 823661 (VCV000823661.14), dbSNP rs587782797, ClinGen allele CA5012179.

ClinVar aggregate classification (germline): Uncertain significance. Review status: criteria provided, multiple submitters, no conflicts (2 of 4 stars). 3 submissions from 3 submitters: Uncertain significance (3). Last evaluated 2025-09-18.

Conditions:
Hereditary cancer-predisposing syndrome. Also called: Neoplastic Syndromes, Hereditary; Tumor predisposition; Hereditary Cancer Syndrome; Hereditary neoplastic syndrome. Identifiers: Orphanet 140162, MedGen C0027672, MeSH D009386, MONDO:0015356.
Familial melanoma. Also called: Hereditary melanoma; Hereditary cutaneous melanoma. Identifiers: Orphanet 618, MedGen C1512419, MONDO:0018961.

Allele frequency attached by ClinVar (database versions not stated): ExAC 0.00002; gnomAD 0.00001; gnomAD exomes 0.00001.
gnomAD v4.1: 7 of 1,606,934 alleles (0.00044%); highest among the groups gnomAD compares: East Asian, 0.0022%; no homozygotes.

Submissions (3):

Color Diagnostics, LLC DBA Color Health
Classification: Uncertain significance for Hereditary cancer-predisposing syndrome. Last evaluated: 2025-09-18. Review status: criteria provided, single submitter. Criteria: ACMG Guidelines, 2015. Collection method: clinical testing. Allele origin: germline.
Comment: The CDKN2A locus encodes two different gene products, p16INK4a and p14ARF. This variant is located in the CDKN2A (p16INK4A) protein. To our knowledge, functional studies have not been reported for this variant. This variant has not been reported in individuals affected with CDKN2A-related disorders in the literature. This variant has been identified in 2/237904 chromosomes in the general population by the Genome Aggregation Database (gnomAD). A different variant occurring at the same codon, p.Arg112Gly, is a well documented pathogenic mutation (ClinVar Variation ID: 233484), indicating that arginine at this position is important for CDKN2A protein function. The available evidence is insufficient to determine the role of this variant in disease conclusively. Therefore, this variant is classified as a Variant of Uncertain Significance.

Labcorp Genetics (formerly Invitae), Labcorp
Classification: Uncertain significance for Familial melanoma. Last evaluated: 2022-11-28. Review status: criteria provided, single submitter. Criteria: Invitae Variant Classification Sherloc (09022015). Collection method: clinical testing. Allele origin: germline.
Comment: This variant has not been reported in the literature in individuals affected with CDKN2A (p16INK4a)-related conditions. ClinVar contains an entry for this variant (Variation ID: 823661). Algorithms developed to predict the effect of missense changes on protein structure and function are either unavailable or do not agree on the potential impact of this missense change (SIFT: "Deleterious"; PolyPhen-2: "Benign"; Align-GVGD: "Class C25"). This variant disrupts the p.Arg112 amino acid residue in CDKN2A (p16INK4a). Other variant(s) that disrupt this residue have been determined to be pathogenic (PMID: 10398427, 11518711, 12606942, 16307646, 20340136, 21462282). This suggests that this residue is clinically significant, and that variants that disrupt this residue are likely to be disease-causing. In summary, the available evidence is currently insufficient to determine the role of this variant in disease. Therefore, it has been classified as a Variant of Uncertain Significance. This variant is present in population databases (rs587782797, gnomAD 0.006%). This sequence change replaces arginine, which is basic and polar, with leucine, which is neutral and non-polar, at codon 112 of the CDKN2A (p16INK4a) protein (p.Arg112Leu).

Ambry Genetics
Classification: Uncertain significance for Hereditary cancer-predisposing syndrome. Last evaluated: 2018-06-29. Review status: criteria provided, single submitter. Criteria: Ambry Variant Classification Scheme 2023. Collection method: clinical testing. Allele origin: germline.
Comment: The p.R112L variant (also known as c.335G>T), located in coding exon 2 of the CDKN2A gene, results from a G to T substitution at nucleotide position 335. The arginine at codon 112 is replaced by leucine, an amino acid with dissimilar properties. This amino acid position is well conserved in available vertebrate species. In addition, this alteration is predicted to be deleterious by in silico analysis. Since supporting evidence is limited at this time, the clinical significance of this alteration remains unclear.

Literature cited by the submitters: PubMed 10398427 (cited by Labcorp Genetics (formerly Invitae), Labcorp); PubMed 11518711 (cited by Labcorp Genetics (formerly Invitae), Labcorp); PubMed 12606942 (cited by Labcorp Genetics (formerly Invitae), Labcorp); PubMed 16307646 (cited by Labcorp Genetics (formerly Invitae), Labcorp); PubMed 20340136 (cited by Labcorp Genetics (formerly Invitae), Labcorp); PubMed 21462282 (cited by Labcorp Genetics (formerly Invitae), Labcorp).